The following is an entry in ClinVar:

NM_001145319.2(PLS1):c.981+5G>T

Gene: PLS1 (plastin 1; plus strand). Cytogenetic location: 3q23.
Variant type: single nucleotide variant.
Coding change: c.981+5G>T on transcript NM_001145319.2 (MANE Select); 5 bases into the intron after coding-DNA position 981, G replaced by T.
Molecular consequence: intron variant.
Genome position (GRCh38, 1-based): chr3:142,686,381, G>T. VCF-style: chr3-142686381-G-T. GRCh37 (hg19) VCF-style: chr3-142405223-G-T.
Other names: c.981+5G>T (NM_002670.3, NM_001172312.2).
Identifiers: ClinVar variation 3253430 (VCV003253430.1), dbSNP rs2472757233.
Genomic context (GRCh38, chr3:142,686,381, plus strand): 5'-CCCCTAAAGGTGGGGAAGATGGACCTGCCATTGCCATTGACCTTTCAGGAATTAATGTGA[G>T]TGCAATTTTTAACTTTTAAAATATATTGTGGTAAAACAGACGTAGAAAATTTACCATTTT-3'

ClinVar aggregate classification (germline): Uncertain significance (1 of 4 stars; one submission).

Submission:

GeneDx
Classification: Uncertain significance. Last evaluated: 2023-12-11. Review status: criteria provided, single submitter. Criteria: GeneDx Variant Classification Process June 2021. Collection method: clinical testing. Allele origin: germline. Affected: yes.
Comment: Not observed at significant frequency in large population cohorts (gnomAD); In silico analysis supports a deleterious effect on splicing; Has not been previously published as pathogenic or benign to our knowledge